The following is an entry in ClinVar:

NM_015330.6(SPECC1L):c.1136G>A (p.Arg379His)

Genes: SPECC1L (sperm antigen with calponin homology and coiled-coil domains 1 like; plus strand), SPECC1L-ADORA2A (SPECC1L-ADORA2A readthrough (NMD candidate); plus strand). Cytogenetic location: 22q11.23.
Variant type: single nucleotide variant.
Coding change: c.1136G>A on transcript NM_015330.6 (MANE Select); coding-DNA position 1136, G replaced by A.
Protein change: p.Arg379His; replaces arginine 379 with histidine.
Molecular consequence: missense variant. On other transcripts: non-coding transcript variant (1).
Genome position (GRCh38, 1-based): chr22:24,322,116, G>A. VCF-style: chr22-24322116-G-A. GRCh37 (hg19) VCF-style: chr22-24718084-G-A.
Other names: c.1136G>A, p.Arg379His (NM_001145468.4, NM_001254732.3); short protein forms R379H.
Identifiers: ClinVar variation 1522088 (VCV001522088.6), dbSNP rs1018962862, ClinGen allele CA322648150.

ClinVar aggregate classification (germline): Uncertain significance (1 of 4 stars; one submission).

Allele frequency attached by ClinVar (database versions not stated): gnomAD exomes below 0.00001; gnomAD 0.00001 and 0.00002; TOPMed 0.00002.
gnomAD v4.1: 11 of 1,613,924 alleles (0.00068%); highest among the groups gnomAD compares: South Asian, 0.0022%; no homozygotes.

Submission:

Labcorp Genetics (formerly Invitae), Labcorp
Classification: Uncertain significance. Last evaluated: 2021-08-21. Review status: criteria provided, single submitter. Criteria: Invitae Variant Classification Sherloc (09022015). Collection method: clinical testing. Allele origin: germline.
Comment: In summary, the available evidence is currently insufficient to determine the role of this variant in disease. Therefore, it has been classified as a Variant of Uncertain Significance. Algorithms developed to predict the effect of missense changes on protein structure and function (SIFT, PolyPhen-2, Align-GVGD) all suggest that this variant is likely to be tolerated. This variant has not been reported in the literature in individuals affected with SPECC1L-related conditions. This variant is not present in population databases (ExAC no frequency). This sequence change replaces arginine with histidine at codon 379 of the SPECC1L protein (p.Arg379His). The arginine residue is highly conserved and there is a small physicochemical difference between arginine and histidine.